The following is an entry in ClinVar:

ClinVar aggregate classification (germline): Pathogenic. Review status: criteria provided, single submitter (1 of 4 stars). 2 submissions from 2 submitters: Pathogenic (1). 1 of the submissions does not count toward it. Last evaluated 2025-01-20.

Conditions:
Heterotaxy, visceral, 11, autosomal, with male infertility. Identifiers: MedGen C5562019, MONDO:0030475, OMIM 619608.

Submissions (2):

First Genomix Gene Laboratory, Genetic Diagnostics Department
Classification: Pathogenic for Heterotaxy, visceral, 11, autosomal, with male infertility. Last evaluated: 2025-01-20. Review status: criteria provided, single submitter. Criteria: ACMG Guidelines, 2015. Collection method: clinical testing. Allele origin: germline. Inheritance: Autosomal recessive inheritance. Affected: no. Observed: 1 variant allele.

OMIM
Classification: Pathogenic for HETEROTAXY, VISCERAL, 11, AUTOSOMAL. Last evaluated: 2021-11-05. Review status: no assertion criteria provided. Collection method: literature only. Allele origin: germline. Not counted in ClinVar's aggregate classification.

Literature cited by the submitters: PubMed 33139725 (cited by OMIM).

NM_012337.3(CFAP45):c.1472_1477delinsT (p.Gln491fs)

Gene: CFAP45 (cilia and flagella associated protein 45; minus strand). Cytogenetic location: 1q23.2.
Variant type: Indel.
Coding change: c.1472_1477delinsT on transcript NM_012337.3 (MANE Select); coding-DNA positions 1472 to 1477, AGAACC replaced by T.
Protein change: p.Gln491fs; shifts the reading frame from glutamine 491.
Molecular consequence: frameshift variant.
Genome position (GRCh38, 1-based): chr1:159,873,044-159,873,049, GGTTCT replaced by A on the plus strand (AGAACC replaced by T on the coding strand, the reverse complement: CFAP45 is on the minus strand). VCF-style: chr1-159873044-GGTTCT-A. GRCh37 (hg19) VCF-style: chr1-159842834-GGTTCT-A.
Other names: short protein forms Q491fs.
Identifiers: ClinVar variation 1319990 (VCV001319990.2), dbSNP rs2101839185, ClinGen allele CA2573051400.